The following is an entry in ClinVar:

ClinVar aggregate classification (germline): Likely pathogenic (1 of 4 stars; one submission).

Submission:

GeneDx
Classification: Likely pathogenic. Last evaluated: 2022-02-01. Review status: criteria provided, single submitter. Criteria: GeneDx Variant Classification Process June 2021. Collection method: clinical testing. Allele origin: germline. Affected: yes.
Comment: Reported in a patient with dilated cardiomyopathy; however, this patient also harbored multiple other cardiogenetic variants (Brown et al., 2020); Not observed at significant frequency in large population cohorts (gnomAD); Frameshift variant predicted to result in protein truncation or nonsense mediated decay in a gene for which loss-of-function is a known mechanism of disease; Located in the A-band region of titin, where the majority of truncating pathogenic variants associated with DCM have been reported (Herman et al., 2012).; This variant is associated with the following publications: (PMID: 33190517, 22335739)

NM_001267550.2(TTN):c.53901dup (p.Arg17968fs)

Genes: TTN (titin; minus strand), TTN-AS1 (TTN antisense RNA 1; plus strand). Cytogenetic location: 2q31.2.
Variant type: Duplication.
Coding change: c.53901dup on transcript NM_001267550.2 (MANE Select); coding-DNA position 53901, one base duplicated (G; older notation c.53901dupG).
Protein change: p.Arg17968fs; shifts the reading frame from arginine 17968.
Molecular consequence: frameshift variant. On other transcripts: non-coding transcript variant (1).
Genome position (GRCh38, 1-based): chr2:178,605,276, C duplicated on the plus strand (G on the coding strand, the reverse complement: TTN is on the minus strand). VCF-style (leftmost placement, unchanged base first): chr2-178605275-G-GC. GRCh37 (hg19) VCF-style: chr2-179470002-G-GC.
Other names: c.48978dup, p.Arg16327fs (NM_001256850.1); c.26706dup, p.Arg8903fs (NM_003319.4); c.46197dup, p.Arg15400fs (NM_133378.4); c.27081dup, p.Arg9028fs (NM_133432.3); c.27282dup, p.Arg9095fs (NM_133437.4); short protein forms R15400fs, R16327fs, R17968fs, R8903fs, R9028fs, R9095fs.
Identifiers: ClinVar variation 1339577 (VCV001339577.2), dbSNP rs2154195456, ClinGen allele CA2573051786.